The following is an entry in ClinVar:

NM_001378615.1(CC2D2A):c.3483T>G (p.His1161Gln)

Genes: CC2D2A (coiled-coil and C2 domain containing 2A; plus strand), FBXL5 (F-box and leucine rich repeat protein 5; minus strand). Cytogenetic location: 4p15.32.
Variant type: single nucleotide variant.
Coding change: c.3483T>G on transcript NM_001378615.1 (MANE Select); coding-DNA position 3483, T replaced by G.
Protein change: p.His1161Gln; replaces histidine 1161 with glutamine.
Molecular consequence: missense variant.
Genome position (GRCh38, 1-based): chr4:15,569,377, T>G. VCF-style: chr4-15569377-T-G. GRCh37 (hg19) VCF-style: chr4-15571000-T-G.
Other names: c.3483T>G, p.His1161Gln (NM_001080522.2); c.3336T>G, p.His1112Gln (NM_001378617.1); short protein forms H1161Q, H1112Q.
Identifiers: ClinVar variation 1899858 (VCV001899858.5), dbSNP rs1362950111, ClinGen allele CA356420468.

ClinVar aggregate classification (germline): Uncertain significance. Review status: criteria provided, multiple submitters, no conflicts (2 of 4 stars). 2 submissions from 2 submitters: Uncertain significance (2). Last evaluated 2024-09-18.

Conditions:
Joubert syndrome. Also called: Familial aplasia of the vermis; JOUBERT-BOLTSHAUSER SYNDROME. Identifiers: Orphanet 475, MedGen C5979921, MONDO:0018772.
Meckel-Gruber syndrome. Also called: Dysencephalia splachnocystica; DYSENCEPHALIA SPLANCHNOCYSTICA; GRUBER SYNDROME. Identifiers: Orphanet 564, MedGen C0265215, MONDO:0018921.

Allele frequency attached by ClinVar (database versions not stated): gnomAD exomes below 0.00001.

Submissions (2):

Blueprint Genetics
Classification: Uncertain significance. Last evaluated: 2024-09-18. Review status: criteria provided, single submitter. Criteria: ACMG Guidelines, 2015. Collection method: clinical testing. Allele origin: germline.

Labcorp Genetics (formerly Invitae), Labcorp
Classification: Uncertain significance for Joubert syndrome; Meckel-Gruber syndrome. Last evaluated: 2022-03-22. Review status: criteria provided, single submitter. Criteria: Invitae Variant Classification Sherloc (09022015). Collection method: clinical testing. Allele origin: germline.
Comment: This sequence change replaces histidine, which is basic and polar, with glutamine, which is neutral and polar, at codon 1161 of the CC2D2A protein (p.His1161Gln). This variant is present in population databases (no rsID available, gnomAD 0.001%). This variant has not been reported in the literature in individuals affected with CC2D2A-related conditions. Algorithms developed to predict the effect of missense changes on protein structure and function (SIFT, PolyPhen-2, Align-GVGD) all suggest that this variant is likely to be tolerated. In summary, the available evidence is currently insufficient to determine the role of this variant in disease. Therefore, it has been classified as a Variant of Uncertain Significance.